The following is an entry in ClinVar:

ClinVar aggregate classification (germline): Likely benign. Review status: criteria provided, multiple submitters, no conflicts (2 of 4 stars). 2 submissions from 2 submitters: Likely benign (2). Last evaluated 2026-04-01.

Allele frequency attached by ClinVar (database versions not stated): gnomAD exomes below 0.00001; gnomAD 0.00001; TOPMed 0.00001.
gnomAD v4.1: 6 of 1,550,772 alleles (0.00039%); highest among the groups gnomAD compares: Non-Finnish European, 0.00044%; no homozygotes.

Submissions (2):

CeGaT Center for Human Genetics Tuebingen
Classification: Likely benign. Last evaluated: 2026-04-01. Review status: criteria provided, single submitter. Criteria: CeGaT Center For Human Genetics Tuebingen Variant Classification Criteria Version 2. Collection method: clinical testing. Allele origin: germline. Affected: yes. Observed: 1 variant allele.
Comment: EYS: BP4, BP7

Labcorp Genetics (formerly Invitae), Labcorp
Classification: Likely benign. Last evaluated: 2024-07-29. Review status: criteria provided, single submitter. Criteria: Invitae Variant Classification Sherloc (09022015). Collection method: clinical testing. Allele origin: germline.

NM_001142800.2(EYS):c.9258T>C (p.Tyr3086=)

Genes: EYS (EGF-like photoreceptor maintenance factor; minus strand), PHF3 (PHD finger protein 3; plus strand). Cytogenetic location: 6q12.
Variant type: single nucleotide variant.
Coding change: c.9258T>C on transcript NM_001142800.2 (MANE Select); coding-DNA position 9258, T replaced by C.
Protein change: p.Tyr3086=; no amino-acid change (tyrosine 3086 retained).
Molecular consequence: synonymous variant. On other transcripts: 3 prime UTR variant (5).
Genome position (GRCh38, 1-based): chr6:63,720,773, A>G on the plus strand (T>C on the coding strand, the complement: EYS is on the minus strand). VCF-style: chr6-63720773-A-G. GRCh37 (hg19) VCF-style: chr6-64430669-A-G.
Other names: c.*7065A>G (NM_001290259.2, NM_001370348.2, NM_001370349.2 and 2 more transcripts); c.9321T>C, p.Tyr3107= (NM_001292009.2).
Identifiers: ClinVar variation 1898289 (VCV001898289.7), dbSNP rs1190932109, ClinGen allele CA450862041.